The following is an entry in ClinVar:

ClinVar aggregate classification (germline): Uncertain significance (1 of 4 stars; one submission).

Conditions:
Fanconi anemia (FA). Also called: Fanconi's anemia. Identifiers: Orphanet 84, MedGen C0015625, MeSH D005199, MONDO:0019391.

Submission:

Labcorp Genetics (formerly Invitae), Labcorp
Classification: Uncertain significance for Fanconi anemia. Last evaluated: 2024-04-29. Review status: criteria provided, single submitter. Criteria: Invitae Variant Classification Sherloc (09022015). Collection method: clinical testing. Allele origin: germline.
Comment: This variant, c.1639delinsGTTC, is a complex sequence change that results in the deletion of 1 and insertion of 2 amino acid(s) in the FANCI protein (p.Phe547delinsValLeu). This variant is not present in population databases (gnomAD no frequency). This variant has not been reported in the literature in individuals affected with FANCI-related conditions. Experimental studies and prediction algorithms are not available or were not evaluated, and the functional significance of this variant is currently unknown. In summary, the available evidence is currently insufficient to determine the role of this variant in disease. Therefore, it has been classified as a Variant of Uncertain Significance.

NM_001113378.2(FANCI):c.1639delinsGTTC (p.Phe547delinsValLeu)

Gene: FANCI (FA complementation group I; plus strand). Cytogenetic location: 15q26.1.
Variant type: Indel.
Coding change: c.1639delinsGTTC on transcript NM_001113378.2 (MANE Select); coding-DNA position 1639, T replaced by GTTC.
Protein change: p.Phe547delinsValLeu.
Molecular consequence: inframe indel.
Genome position (GRCh38, 1-based): chr15:89,283,191, T replaced by GTTC. VCF-style: chr15-89283191-T-GTTC. GRCh37 (hg19) VCF-style: chr15-89826422-T-GTTC.
Other names: c.1360delinsGTTC, p.Phe454delinsValLeu (NM_001376910.1); c.1639delinsGTTC, p.Phe547delinsValLeu (NM_001376911.1, NM_018193.3).
Identifiers: ClinVar variation 967985 (VCV000967985.5), dbSNP rs2053681482, ClinGen allele CA1139664143.